The following is an entry in ClinVar:

NM_001031679.3(MSRB3):c.310G>A (p.Asp104Asn)

Gene: MSRB3 (methionine sulfoxide reductase B3; plus strand). Cytogenetic location: 12q14.3.
Variant type: single nucleotide variant.
Coding change: c.310G>A on transcript NM_001031679.3 (MANE Select); coding-DNA position 310, G replaced by A.
Protein change: p.Asp104Asn; replaces aspartic acid 104 with asparagine.
Molecular consequence: missense variant.
Genome position (GRCh38, 1-based): chr12:65,453,745, G>A. VCF-style: chr12-65453745-G-A. GRCh37 (hg19) VCF-style: chr12-65847525-G-A.
Other names: c.310G>A, p.Asp104Asn (NM_001193460.2, NM_001193461.2); c.331G>A, p.Asp111Asn (NM_198080.4); short protein forms D104N, D111N.
Identifiers: ClinVar variation 163980 (VCV000163980.4), dbSNP rs727503162, ClinGen allele CA176738.

ClinVar aggregate classification (germline): Uncertain significance (1 of 4 stars; one submission).

Allele frequency attached by ClinVar (database versions not stated): gnomAD exomes below 0.00001 and 0.00001.
gnomAD v4.1: 14 of 1,613,976 alleles (0.00087%); highest among the groups gnomAD compares: Admixed American, 0.0017%; no homozygotes.

Submission:

Laboratory for Molecular Medicine, Mass General Brigham Personalized Medicine
Classification: Uncertain significance. Last evaluated: 2014-12-06. Review status: criteria provided, single submitter. Criteria: LMM Criteria. Collection method: clinical testing. Allele origin: germline. Observed: 1 variant allele.
Comment: The p.Asp104Asn variant in MSRB3 has not been previously reported in individuals with hearing loss and was absent from large population studies. Computational p rediction tools and conservation analyses do not provide strong support for or a gainst an impact to the protein. In summary, the clinical significance of the p. Asp104Asn variant is uncertain.